The following is an entry in ClinVar:

ClinVar aggregate classification (germline): Uncertain significance (1 of 4 stars; one submission).

Conditions:
MID1-related disorder. Also called: MID1-related condition.

gnomAD v4.1: 2 of 1,153,764 alleles (0.00017%); highest among the groups gnomAD compares: Non-Finnish European, 0.00023%; no homozygotes.

Submission:

PreventionGenetics, part of Exact Sciences
Classification: Uncertain significance for MID1-related condition. Last evaluated: 2026-09-04. Review status: criteria provided, single submitter. Criteria: ACMG Guidelines, 2015. Collection method: clinical testing. Allele origin: germline.
Comment: The MID1 c.851T>G variant is predicted to result in the amino acid substitution p.Leu284Arg. To our knowledge, this variant has not been reported in the literature or in a large population database (gnomAD), indicating this variant is rare. At this time, the clinical significance of this variant is uncertain due to the absence of conclusive functional and genetic evidence.

NM_000381.4(MID1):c.757-5774T>G

Gene: MID1 (midline 1; minus strand). Cytogenetic location: Xp22.2.
Variant type: single nucleotide variant.
Coding change: c.757-5774T>G on transcript NM_000381.4 (MANE Select); 5774 bases into the intron before coding-DNA position 757, T replaced by G.
Molecular consequence: intron variant. On other transcripts: missense variant (1).
Genome position (GRCh38, 1-based): chrX:10,501,465, A>C on the plus strand (T>G on the coding strand, the complement: MID1 is on the minus strand). VCF-style: chrX-10501465-A-C. GRCh37 (hg19) VCF-style: chrX-10469505-A-C.
Other names: c.851T>G, p.Leu284Arg (NM_001193278.1); c.757-5774T>G (NM_033290.4, NM_001098624.2, NM_001347733.2 and 2 more transcripts); c.643-5774T>G (NM_033289.2, NM_001193280.1); short protein forms L284R.
Identifiers: ClinVar variation 4985296 (VCV004985296.1).